The following is an entry in ClinVar:

NM_001267550.2(TTN):c.21404-4A>G

Genes: TTN (titin; minus strand), LOC126806428 (BRD4-independent group 4 enhancer GRCh37_chr2:179588362-179589561; plus strand). Cytogenetic location: 2q31.2.
Variant type: single nucleotide variant.
Coding change: c.21404-4A>G on transcript NM_001267550.2 (MANE Select); 4 bases into the intron before coding-DNA position 21404, A replaced by G.
Molecular consequence: intron variant.
Genome position (GRCh38, 1-based): chr2:178,723,700, T>C on the plus strand (A>G on the coding strand, the complement: TTN is on the minus strand). VCF-style: chr2-178723700-T-C. GRCh37 (hg19) VCF-style: chr2-179588427-T-C.
Other names: p.?; c.13282+14382A>G (NM_003319.4); c.13858+14382A>G (NM_133437.4); c.13657+14382A>G (NM_133432.3); c.17672-4A>G (NM_133378.4); c.20453-4A>G (NM_001256850.1).
Identifiers: ClinVar variation 46684 (VCV000046684.104), dbSNP rs72648965, ClinGen allele CA231585.

ClinVar aggregate classification (germline): Conflicting classifications of pathogenicity. Review status: criteria provided, conflicting classifications (1 of 4 stars). 21 submissions from 17 submitters: Uncertain significance (5); Benign (5); Likely benign (6). 5 of the submissions do not count toward it. Last evaluated 2026-09-21.

Conditions:
Dilated cardiomyopathy 1G (CMD1G). Identifiers: Orphanet 154, MedGen C1858763, MONDO:0011400, OMIM 604145.
Autosomal recessive limb-girdle muscular dystrophy type 2J (LGMDR10). Also called: MUSCULAR DYSTROPHY, LIMB-GIRDLE, AUTOSOMAL RECESSIVE 10; Limb-girdle muscular dystrophy, type 2J. Identifiers: Orphanet 140922, MedGen C1837342, MONDO:0012127, OMIM 608807.
TTN-related disorder. Also called: TTN-related disorders; TTN-related condition; TTN-related disease.
Early-onset myopathy with fatal cardiomyopathy (CMYO5). Also called: CONGENITAL MYOPATHY 5 WITH CARDIOMYOPATHY; Salih Myopathy. Identifiers: Orphanet 289377, MedGen C2673677, MONDO:0012714, OMIM 611705. Disease mechanism: loss of function.
Tibial muscular dystrophy (TMD). Also called: Udd Distal Myopathy – Tibial Muscular Dystrophy; Tibial muscular dystrophy, tardive; UDD MYOPATHY. Identifiers: Orphanet 609, MedGen C1838244, MONDO:0010870, OMIM 600334.
Myopathy, myofibrillar, 9, with early respiratory failure (MFM9). Also called: Myopathy, distal, with early respiratory failure, autosomal dominant; Hereditary myopathy with early respiratory failure; MYOPATHY, PROXIMAL, WITH EARLY RESPIRATORY MUSCLE INVOLVEMENT; EDSTROM MYOPATHY. Identifiers: Orphanet 178464, Orphanet 34521, MedGen C1863599, MONDO:0011362, OMIM 603689.

Allele frequency attached by ClinVar (database versions not stated): ExAC 0.00053; gnomAD 0.00050 and 0.00051; gnomAD exomes 0.00065 and 0.00051; TOPMed 0.00059; ESP Exome Variant Server 0.00034.
gnomAD v4.1: 973 of 1,559,534 alleles (0.062%); highest among the groups gnomAD compares: Non-Finnish European, 0.078%; no homozygotes.

Submissions (21):

Molecular Diagnostic Laboratory for Inherited Cardiovascular Disease, Montreal Heart Institute
Classification: Likely benign. Last evaluated: 2026-09-21. Review status: criteria provided, single submitter. Criteria: ACMG Guidelines, 2015. Collection method: clinical testing. Allele origin: germline. Affected: no.
Comment: BS1

Labcorp Genetics (formerly Invitae), Labcorp
Classification: Likely benign for Dilated cardiomyopathy 1G; Autosomal recessive limb-girdle muscular dystrophy type 2J. Last evaluated: 2026-02-03. Review status: criteria provided, single submitter. Criteria: Invitae Variant Classification Sherloc (09022015). Collection method: clinical testing. Allele origin: germline.

CeGaT Center for Human Genetics Tuebingen
Classification: Uncertain significance. Last evaluated: 2025-11-01. Review status: criteria provided, single submitter. Criteria: CeGaT Center For Human Genetics Tuebingen Variant Classification Criteria Version 2. Collection method: clinical testing. Allele origin: germline. Affected: yes. Observed: 5 variant alleles.
Comment: TTN: PM2, BP4

Mayo Clinic Laboratories, Mayo Clinic
Classification: Likely benign. Last evaluated: 2025-11-01. Review status: criteria provided, single submitter. Criteria: ACMG Guidelines, 2015. Collection method: clinical testing. Allele origin: germline. Observed: 1 variant allele.
Comment: BS1, BP4, BP7

Athena Diagnostics
Classification: Benign. Last evaluated: 2025-07-15. Review status: criteria provided, single submitter. Criteria: Athena Diagnostics Criteria. Collection method: clinical testing. Allele origin: unknown.
Comment: The frequency of this variant in the general population is higher than would generally be expected for pathogenic variants in this gene. Computational tools yielded predictions that this variant is unlikely to have an effect on normal RNA splicing. This nucleotide position exhibits low evolutionary conservation.

Blueprint Genetics
Classification: Likely benign. Last evaluated: 2024-05-16. Review status: criteria provided, single submitter. Criteria: ACMG Guidelines, 2015. Collection method: clinical testing. Allele origin: germline.

Women's Health and Genetics/Laboratory Corporation of America, LabCorp
Classification: Benign. Last evaluated: 2022-01-31. Review status: criteria provided, single submitter. Criteria: LabCorp Variant Classification Summary - May 2015. Collection method: clinical testing. Allele origin: germline.

Illumina Laboratory Services, Illumina
Classification: Uncertain significance for Autosomal recessive limb-girdle muscular dystrophy type 2J. Last evaluated: 2018-01-12. Review status: criteria provided, single submitter. Criteria: ICSL Variant Classification Criteria 13 December 2019. Collection method: clinical testing. Allele origin: germline.

Illumina Laboratory Services, Illumina
Classification: Uncertain significance for Dilated cardiomyopathy 1G. Last evaluated: 2018-01-12. Review status: criteria provided, single submitter. Criteria: ICSL Variant Classification Criteria 13 December 2019. Collection method: clinical testing. Allele origin: germline.

Illumina Laboratory Services, Illumina
Classification: Uncertain significance for Early-onset myopathy with fatal cardiomyopathy. Last evaluated: 2018-01-12. Review status: criteria provided, single submitter. Criteria: ICSL Variant Classification Criteria 13 December 2019. Collection method: clinical testing. Allele origin: germline.

Illumina Laboratory Services, Illumina
Classification: Benign for Myopathy, myofibrillar, 9, with early respiratory failure. Last evaluated: 2018-01-12. Review status: criteria provided, single submitter. Criteria: ICSL Variant Classification Criteria 13 December 2019. Collection method: clinical testing. Allele origin: germline.
Comment: This variant was observed in the ICSL laboratory as part of a predisposition screen in an ostensibly healthy population. It had not been previously curated by ICSL or reported in the Human Gene Mutation Database (HGMD: prior to June 1st, 2018), and was therefore a candidate for classification through an automated scoring system. Utilizing variant allele frequency, disease prevalence and penetrance estimates, and inheritance mode, an automated score was calculated to assess if this variant is too frequent to cause the disease. Based on the score and internal cut-off values, a variant classified as benign is not then subjected to further curation. The score for this variant resulted in a classification of benign for this disease.

Illumina Laboratory Services, Illumina
Classification: Benign for Tibial muscular dystrophy. Last evaluated: 2018-01-12. Review status: criteria provided, single submitter. Criteria: ICSL Variant Classification Criteria 13 December 2019. Collection method: clinical testing. Allele origin: germline.
Comment: the same text as in the submission from Illumina Laboratory Services, Illumina above.

Eurofins Ntd Llc (ga)
Classification: Likely benign. Last evaluated: 2016-09-18. Review status: criteria provided, single submitter. Criteria: EGL Classification Definitions 2015. Collection method: clinical testing. Allele origin: germline. Observed: 6 variant alleles, 6 heterozygotes.

Laboratory for Molecular Medicine, Mass General Brigham Personalized Medicine
Classification: Likely benign. Last evaluated: 2014-12-17. Review status: criteria provided, single submitter. Criteria: LMM Criteria. Collection method: clinical testing. Allele origin: germline. Observed: 2 variant alleles.
Comment: c.17672-4A>G in intron 70 of TTN: This variant is not expected to have clinical significance because it is not located within the splice consensus sequence. It has been identified in 0.1% (50/60568) of European chromosomes by the Exome Aggr egation Consortium (ExAC; dbSNP rs72648965).

Genetic Services Laboratory, University of Chicago
Classification: Uncertain significance. Last evaluated: 2013-11-14. Review status: criteria provided, single submitter. Criteria: ACMG Guidelines, 2007. Collection method: clinical testing. Allele origin: germline.

GeneDx
Classification: Benign. Last evaluated: 2013-01-17. Review status: criteria provided, single submitter. Criteria: GeneDx Variant Classification (06012015). Collection method: clinical testing. Allele origin: germline. Affected: yes.
Comment: This variant is considered likely benign or benign based on one or more of the following criteria: it is a conservative change, it occurs at a poorly conserved position in the protein, it is predicted to be benign by multiple in silico algorithms, and/or has population frequency not consistent with disease.

PreventionGenetics, part of Exact Sciences
Classification: Likely benign for TTN-related condition. Last evaluated: 2019-04-12. Review status: no assertion criteria provided. Collection method: clinical testing. Allele origin: germline. Not counted in ClinVar's aggregate classification.
Comment: This variant is classified as likely benign based on ACMG/AMP sequence variant interpretation guidelines (Richards et al. 2015 PMID: 25741868, with internal and published modifications).

Clinical Genetics DNA and cytogenetics Diagnostics Lab, Erasmus MC, Erasmus Medical Center
Classification: Benign. Review status: no assertion criteria provided. Collection method: clinical testing. Allele origin: germline. Affected: yes. Study: VKGL Data-share Consensus. Not counted in ClinVar's aggregate classification.

Clinical Genetics, Academic Medical Center
Classification: Benign. Review status: no assertion criteria provided. Collection method: clinical testing. Allele origin: germline. Affected: yes. Study: VKGL Data-share Consensus. Not counted in ClinVar's aggregate classification.

Diagnostic Laboratory, Department of Genetics, University Medical Center Groningen
Classification: Likely benign. Review status: no assertion criteria provided. Collection method: clinical testing. Allele origin: germline. Affected: yes. Study: VKGL Data-share Consensus. Not counted in ClinVar's aggregate classification.

Laboratory of Diagnostic Genome Analysis, Leiden University Medical Center (LUMC)
Classification: Likely benign. Review status: no assertion criteria provided. Collection method: clinical testing. Allele origin: germline. Affected: yes. Study: VKGL Data-share Consensus. Not counted in ClinVar's aggregate classification.

Literature cited by the submitters: PubMed 37904629 (cited by Athena Diagnostics).